The following is an entry in ClinVar:

ClinVar aggregate classification (germline): Uncertain significance. Review status: criteria provided, multiple submitters, no conflicts (2 of 4 stars). 2 submissions from 2 submitters: Uncertain significance (2). Last evaluated 2023-09-22.

Conditions:
Cardiovascular phenotype. Identifiers: MedGen CN230736.
Hypertrophic cardiomyopathy. Also called: HYPERTROPHIC MYOCARDIOPATHY. Identifiers: Orphanet 217569, MedGen C0007194, MeSH D002312, MONDO:0005045, HP:0001639.

Submissions (2):

Ambry Genetics
Classification: Uncertain significance for Cardiovascular phenotype. Last evaluated: 2023-09-22. Review status: criteria provided, single submitter. Criteria: Ambry Variant Classification Scheme 2023. Collection method: clinical testing. Allele origin: germline.
Comment: The p.K639T variant (also known as c.1916A>C), located in coding exon 15 of the MYH7 gene, results from an A to C substitution at nucleotide position 1916. The lysine at codon 639 is replaced by threonine, an amino acid with similar properties. This amino acid position is highly conserved in available vertebrate species. In addition, the in silico prediction for this alteration is inconclusive. Since supporting evidence is limited at this time, the clinical significance of this alteration remains unclear.

Labcorp Genetics (formerly Invitae), Labcorp
Classification: Uncertain significance for Hypertrophic cardiomyopathy. Last evaluated: 2021-06-16. Review status: criteria provided, single submitter. Criteria: Invitae Variant Classification Sherloc (09022015). Collection method: clinical testing. Allele origin: germline.
Comment: In summary, the available evidence is currently insufficient to determine the role of this variant in disease. Therefore, it has been classified as a Variant of Uncertain Significance. This variant is found within a region of MYH7 between codons 181 and 937 that contains the majority of the myosin head domain. Missense variants in this region have been shown to be significantly overrepresented in individuals with hypertrophic cardiomyopathy (PMID: 27532257). Algorithms developed to predict the effect of missense changes on protein structure and function (SIFT, PolyPhen-2, Align-GVGD) all suggest that this variant is likely to be disruptive, but these predictions have not been confirmed by published functional studies and their clinical significance is uncertain. This variant has not been reported in the literature in individuals with MYH7-related conditions. This variant is not present in population databases (ExAC no frequency). This sequence change replaces lysine with threonine at codon 639 of the MYH7 protein (p.Lys639Thr). The lysine residue is highly conserved and there is a moderate physicochemical difference between lysine and threonine.

Literature cited by the submitters: PubMed 27532257 (cited by Labcorp Genetics (formerly Invitae), Labcorp).

NM_000257.4(MYH7):c.1916A>C (p.Lys639Thr)

Gene: MYH7 (myosin heavy chain 7; minus strand). Cytogenetic location: 14q11.2.
Variant type: single nucleotide variant.
Coding change: c.1916A>C on transcript NM_000257.4 (MANE Select); coding-DNA position 1916, A replaced by C.
Protein change: p.Lys639Thr; replaces lysine 639 with threonine.
Molecular consequence: missense variant.
Genome position (GRCh38, 1-based): chr14:23,427,280, T>G on the plus strand (A>C on the coding strand, the complement: MYH7 is on the minus strand). VCF-style: chr14-23427280-T-G. GRCh37 (hg19) VCF-style: chr14-23896489-T-G.
Other names: short protein forms K639T.
Identifiers: ClinVar variation 1507535 (VCV001507535.9), dbSNP rs2138671139, ClinGen allele CA389049543.